The following is an entry in ClinVar:

NM_000051.4(ATM):c.3531T>C (p.Cys1177=)

Gene: ATM (ATM serine/threonine kinase; plus strand). Cytogenetic location: 11q22.3.
Variant type: single nucleotide variant.
Coding change: c.3531T>C on transcript NM_000051.4 (MANE Select); coding-DNA position 3531, T replaced by C.
Protein change: p.Cys1177=; no amino-acid change (cysteine 1177 retained).
Molecular consequence: synonymous variant.
Genome position (GRCh38, 1-based): chr11:108,281,123, T>C. VCF-style: chr11-108281123-T-C. GRCh37 (hg19) VCF-style: chr11-108151850-T-C.
Other names: c.3531T>C, p.Cys1177= (NM_001351834.2).
Identifiers: ClinVar variation 232086 (VCV000232086.15), dbSNP rs876659546, ClinGen allele CA10579110.

ClinVar aggregate classification (germline): Benign/Likely benign. Review status: criteria provided, multiple submitters, no conflicts (2 of 4 stars). 3 submissions from 3 submitters: Benign (1); Likely benign (2). Last evaluated 2024-05-14.

Conditions:
Hereditary cancer-predisposing syndrome. Also called: Hereditary Cancer Syndrome; Neoplastic Syndromes, Hereditary; Tumor predisposition; Hereditary neoplastic syndrome. Identifiers: Orphanet 140162, MedGen C0027672, MeSH D009386, MONDO:0015356.
Ataxia-telangiectasia syndrome (AT). Also called: Ataxia telangiectasia (A-T); Ataxia-telangiectasia, complementation group E; LOUIS-BAR SYNDROME; Cerebello-oculocutaneous telangiectasia; Immunodeficiency with ataxia telangiectasia; Ataxia-telangiectasia, complementation group D. Identifiers: Orphanet 100, MedGen C0004135, MONDO:0008840, OMIM 208900.
Familial cancer of breast. Also called: Hereditary breast cancer; hereditary breast carcinoma; BREAST CANCER, FAMILIAL. Identifiers: Orphanet 227535, MedGen C0346153, MONDO:0016419, OMIM 114480. Disease mechanism: loss of function.

Allele frequency attached by ClinVar (database versions not stated): TOPMed 0.00001.

Submissions (3):

Myriad Genetics, Inc.
Classification: Benign for Familial cancer of breast. Last evaluated: 2024-05-14. Review status: criteria provided, single submitter. Criteria: Myriad Autosomal Dominant, Autosomal Recessive and X-Linked Classification Criteria (2023). Collection method: clinical testing. Allele origin: unknown.
Comment: This variant is considered benign. This variant is a silent/synonymous amino acid change and it is not expected to impact splicing.

Labcorp Genetics (formerly Invitae), Labcorp
Classification: Likely benign for Ataxia-telangiectasia syndrome. Last evaluated: 2024-04-15. Review status: criteria provided, single submitter. Criteria: Invitae Variant Classification Sherloc (09022015). Collection method: clinical testing. Allele origin: germline.

Ambry Genetics
Classification: Likely benign for Hereditary cancer-predisposing syndrome. Last evaluated: 2015-05-27. Review status: criteria provided, single submitter. Criteria: Ambry Variant Classification Scheme 2023. Collection method: clinical testing. Allele origin: germline.